The following is an entry in ClinVar:

NM_006941.4(SOX10):c.1207del (p.Ser403fs)

Genes: POLR2F (RNA polymerase II, I and III subunit F; plus strand), SOX10 (SRY-box transcription factor 10; minus strand). Cytogenetic location: 22q13.1.
Variant type: Deletion.
Coding change: c.1207del on transcript NM_006941.4 (MANE Select); coding-DNA position 1207, one base deleted (T; older notation c.1207delT).
Protein change: p.Ser403fs; shifts the reading frame from serine 403.
Molecular consequence: frameshift variant. On other transcripts: intron variant (3).
Genome position (GRCh38, 1-based): chr22:37,973,689, A deleted on the plus strand (T on the coding strand, the reverse complement: SOX10 is on the minus strand). VCF-style (leftmost placement, unchanged base first): chr22-37973688-GA-G. GRCh37 (hg19) VCF-style: chr22-38369695-GA-G.
Other names: c.*38+1379del (NM_001363825.1); c.293+6519del (NM_001301130.2, NM_001301131.2); short protein forms S403fs.
Identifiers: ClinVar variation 3601806 (VCV003601806.1).
Genomic context (GRCh38, chr22:37,973,688, plus strand): 5'-GAGTAGAGGCCAGAGGCCTGGCCCGAGTGGCCATAATAGGGTCCTGAGGGCTGATGGTCA[GA>G]GTAGTCAAACTGGGGGCGGGAGATGGAGGGGAAGGCTGAGCCATAGTGGGGCAGGCTGAG-3'

ClinVar aggregate classification (germline): Pathogenic (1 of 4 stars; one submission).

Conditions:
Waardenburg syndrome type 4C (WS4C). Also called: WAARDENBURG SYNDROME WITH HIRSCHSPRUNG DISEASE, TYPE 4C. Identifiers: Orphanet 897, MedGen C2750452, MONDO:0013202, OMIM 613266.

Submission:

Institute of Rare Diseases, West China Hospital, Sichuan University
Classification: Pathogenic for Waardenburg syndrome type 4C. Last evaluated: 2025-01-09. Review status: criteria provided, single submitter. Criteria: ClinGen HL ACMG Specifications v1. Collection method: research. Allele origin: germline. Affected: yes.
Comment: PM1;PVS1;PM2_Supporting